The following is an entry in ClinVar:

NM_182914.3(SYNE2):c.18197A>G (p.Gln6066Arg)

Gene: SYNE2 (spectrin repeat containing nuclear envelope protein 2; plus strand). Cytogenetic location: 14q23.2.
Variant type: single nucleotide variant.
Coding change: c.18197A>G on transcript NM_182914.3 (MANE Select); coding-DNA position 18197, A replaced by G.
Protein change: p.Gln6066Arg; replaces glutamine 6066 with arginine.
Molecular consequence: missense variant.
Genome position (GRCh38, 1-based): chr14:64,202,959, A>G. VCF-style: chr14-64202959-A-G. GRCh37 (hg19) VCF-style: chr14-64669677-A-G.
Other names: c.18197A>G, p.Gln6066Arg (NM_015180.6); short protein forms Q6066R.
Identifiers: ClinVar variation 1414168 (VCV001414168.6), dbSNP rs1185481033, ClinGen allele CA389945636.
Genomic context (GRCh38, chr14:64,202,959, plus strand): 5'-CCAAGCCTGTTGTTTATGATGTCTGCGATGATCAAGAGATCCAGAAGAGGCTCGCTGAGC[A>G]GCAGGTGGGACAATCAGAAATGAGCTCTTGCAAGAGTACGGTGTCCGCGATATGCACTGA-3'
Protein context (NP_878918.2, residues 6056-6076): DQEIQKRLAE[Gln6066Arg]QDLQRDIEQH

ClinVar aggregate classification (germline): Uncertain significance (1 of 4 stars; one submission).

Conditions:
Emery-Dreifuss muscular dystrophy 5, autosomal dominant (EDMD5). Also called: EMERY-DREIFUSS MUSCULAR DYSTROPHY 5. Identifiers: Orphanet 261, MedGen C2751805, MONDO:0013072, OMIM 612999.

Allele frequency attached by ClinVar (database versions not stated): gnomAD 0.00001; gnomAD exomes 0.00001; TOPMed 0.00001.
gnomAD v4.1: 6 of 1,614,050 alleles (0.00037%); highest among the groups gnomAD compares: Non-Finnish European, 0.00042%; no homozygotes.

Submission:

Labcorp Genetics (formerly Invitae), Labcorp
Classification: Uncertain significance for Emery-Dreifuss muscular dystrophy 5, autosomal dominant. Last evaluated: 2022-12-19. Review status: criteria provided, single submitter. Criteria: Invitae Variant Classification Sherloc (09022015). Collection method: clinical testing. Allele origin: germline.
Comment: Algorithms developed to predict the effect of missense changes on protein structure and function are either unavailable or do not agree on the potential impact of this missense change (SIFT: "Tolerated"; PolyPhen-2: "Probably Damaging"; Align-GVGD: "Class C0"). ClinVar contains an entry for this variant (Variation ID: 1414168). This variant has not been reported in the literature in individuals affected with SYNE2-related conditions. This variant is present in population databases (no rsID available, gnomAD 0.0009%). This sequence change replaces glutamine, which is neutral and polar, with arginine, which is basic and polar, at codon 6066 of the SYNE2 protein (p.Gln6066Arg). In summary, the available evidence is currently insufficient to determine the role of this variant in disease. Therefore, it has been classified as a Variant of Uncertain Significance.